The following is an entry in ClinVar:

NM_000016.6(ACADM):c.18del (p.Arg7fs)

Gene: ACADM (acyl-CoA dehydrogenase medium chain; plus strand). Cytogenetic location: 1p31.1.
Variant type: Deletion.
Coding change: c.18del on transcript NM_000016.6 (MANE Select); coding-DNA position 18, one base deleted (G; older notation c.18delG).
Protein change: p.Arg7fs; shifts the reading frame from arginine 7.
Molecular consequence: frameshift variant. On other transcripts: 5 prime UTR variant (2).
Genome position (GRCh38, 1-based): chr1:75,724,805, G deleted; the last of 3 consecutive G bases (chr1:75,724,803-75,724,805); deleting any one gives the same sequence. VCF-style (leftmost placement, unchanged base first): chr1-75724802-CG-C. GRCh37 (hg19) VCF-style: chr1-76190487-CG-C.
Other names: c.18delG, p.Arg7Aspfs (NM_000016.5); c.18del, p.Arg7fs (NM_001127328.3, NM_001286043.2); c.-3del (NM_001286042.2); c.-280del (NM_001286044.2); short protein forms R7fs.
Identifiers: ClinVar variation 4064396 (VCV004064396.2).

ClinVar aggregate classification (germline): Likely pathogenic (1 of 4 stars; one submission).

Conditions:
Medium-chain acyl-coenzyme A dehydrogenase deficiency (ACADMD). Also called: ACADM DEFICIENCY; CARNITINE DEFICIENCY SECONDARY TO MEDIUM-CHAIN ACYL-CoA DEHYDROGENASE DEFICIENCY; MCADH DEFICIENCY; MCADD; Medium chain acyl-CoA dehydrogenase deficiency; MCAD Deficiency. Identifiers: Orphanet 42, MedGen C0220710, MONDO:0008721, OMIM 201450.

Submission:

Natera, Inc.
Classification: Likely pathogenic for Medium Chain Acyl-CoA Dehydrogenase Deficiency. Last evaluated: 2025-05-05. Review status: criteria provided, single submitter. Criteria: Natera Variant Classification Schema (03/2026). Collection method: clinical testing. Allele origin: germline.
Comment: The c.18del variant in ACADM is a frameshift variant predicted to shift the reading frame beginning at codon 7 and leads to a stop codon 6 codons downstream. This variant is expected to result in nonsense mediated decay, truncation, or a dysfunctional protein product. This variant is rare in the general population with a frequency below the threshold expected for the associated phenotype(s). Given the available evidence, this variant is classified as Likely Pathogenic.